The following is an entry in ClinVar:

ClinVar aggregate classification (germline): Conflicting classifications of pathogenicity. Review status: criteria provided, conflicting classifications (1 of 4 stars). 3 submissions from 3 submitters: Pathogenic (1); Uncertain significance (2). Last evaluated 2026-08-06.

Conditions:
RFT1-congenital disorder of glycosylation (CDG1N). Also called: CDG In; Congenital disorder of glycosylation type In; RFT1-CDG. Identifiers: Orphanet 244310, MedGen C2677590, MONDO:0012783, OMIM 612015.

Allele frequency attached by ClinVar (database versions not stated): gnomAD 0.00001; gnomAD exomes 0.00001; TOPMed 0.00002.
gnomAD v4.1: 17 of 1,614,116 alleles (0.0011%); highest among the groups gnomAD compares: Admixed American, 0.005%; no homozygotes.

Submissions (3):

OLLIN Analises Genomicas, OLLIN
Classification: Uncertain significance for RFT1-congenital disorder of glycosylation. Last evaluated: 2026-08-06. Review status: criteria provided, single submitter. Criteria: ACMG Guidelines 2015 PMID 25741868. Collection method: clinical testing. Allele origin: germline. Inheritance: Autosomal recessive inheritance.
Comment: This missense variant, located in exon 3 (of 13), has been reported in ClinVar (accession VCV002144279.5), in gnomAD with an allele frequency of 0.00105%, and in the scientific literature, in compound heterozygosity, in individuals with RFT1 related disorders (PMID: 38617304). Functional studies suggest that this variant may affect protein function, and in silico analysis predicts a deleterious effect (PMID: 38617304). According to the currently available evidence, this variant has been classified as uncertain significance (PS3_P, PM2_P, PM3, PP3).

Women's Health and Genetics/Laboratory Corporation of America, LabCorp
Classification: Uncertain significance. Last evaluated: 2025-06-19. Review status: criteria provided, single submitter. Criteria: LabCorp Variant Classification Summary - May 2015. Collection method: clinical testing. Allele origin: germline.
Comment: Variant summary: RFT1 c.208T>C (p.Cys70Arg) results in a non-conservative amino acid change in the encoded protein sequence. Algorithms developed to predict the effect of missense changes on protein structure and function all suggest that this variant is likely to be disruptive. The variant allele was found at a frequency of 1.6e-05 in 251452 control chromosomes (gnomAD). c.208T>C has been observed in individuals affected with RFT1-Congenital Disorder Of Glycosylation (Quelhas_2019, Labcorp (formerly Invitae)). These data indicate that the variant may be associated with disease. At least one publication reports experimental evidence evaluating an impact on protein function, finding that the variant resulted in significantly slower growth in yeast and lower glycosylation. (Hirata_2024). The following publications have been ascertained in the context of this evaluation (PMID: 29923091, 38617304). ClinVar contains an entry for this variant (Variation ID: 2144279). Based on the evidence outlined above, the variant was classified as VUS-possibly pathogenic.

Labcorp Genetics (formerly Invitae), Labcorp
Classification: Pathogenic for RFT1-congenital disorder of glycosylation. Last evaluated: 2025-04-26. Review status: criteria provided, single submitter. Criteria: Invitae Variant Classification Sherloc (09022015). Collection method: clinical testing. Allele origin: germline.
Comment: This sequence change replaces cysteine, which is neutral and slightly polar, with arginine, which is basic and polar, at codon 70 of the RFT1 protein (p.Cys70Arg). This variant is present in population databases (no rsID available, gnomAD 0.003%). This missense change has been observed in individual(s) with RFT1-congenital disorder of glycosylation (PMID: 29923091; internal data). In at least one individual the data is consistent with being in trans (on the opposite chromosome) from a pathogenic variant. ClinVar contains an entry for this variant (Variation ID: 2144279). Invitae Evidence Modeling of protein sequence and biophysical properties (such as structural, functional, and spatial information, amino acid conservation, physicochemical variation, residue mobility, and thermodynamic stability) indicates that this missense variant is expected to disrupt RFT1 protein function with a positive predictive value of 80%. For these reasons, this variant has been classified as Pathogenic.

Literature cited by the submitters: PubMed 38617304 (cited by OLLIN Analises Genomicas, OLLIN and Women's Health and Genetics/Laboratory Corporation of America, LabCorp); PubMed 29923091 (cited by Women's Health and Genetics/Laboratory Corporation of America, LabCorp and Labcorp Genetics (formerly Invitae), Labcorp).

NM_052859.4(RFT1):c.208T>C (p.Cys70Arg)

Gene: RFT1 (RFT1 glycolipid translocator homolog; minus strand). Cytogenetic location: 3p21.1.
Variant type: single nucleotide variant.
Coding change: c.208T>C on transcript NM_052859.4 (MANE Select); coding-DNA position 208, T replaced by C.
Protein change: p.Cys70Arg; replaces cysteine 70 with arginine.
Molecular consequence: missense variant.
Genome position (GRCh38, 1-based): chr3:53,123,782, A>G on the plus strand (T>C on the coding strand, the complement: RFT1 is on the minus strand). VCF-style: chr3-53123782-A-G. GRCh37 (hg19) VCF-style: chr3-53157798-A-G.
Other names: short protein forms C70R.
Identifiers: ClinVar variation 2144279 (VCV002144279.6), dbSNP rs1046363034, ClinGen allele CA74814301.